The following is an entry in ClinVar:

NM_005120.3(MED12):c.6288GCA[6] (p.Gln2115del)

Gene: MED12 (mediator complex subunit 12; plus strand). Cytogenetic location: Xq13.1.
Variant type: Microsatellite.
Coding change: c.6288GCA[6] on transcript NM_005120.3 (MANE Select); six copies in a row of the 3-base unit GCA starting at c.6288; the reference has seven copies in a row; one copy, 3 bases deleted.
Protein change: p.Gln2115del; deletes glutamine 2115.
Molecular consequence: inframe deletion.
Genome position (GRCh38, 1-based): chrX:71,141,268-71,141,270, GCA deleted; deleting any 3 consecutive bases within chrX:71,141,248-71,141,270 gives the same sequence; the position shown is the placement nearest the transcript's 3' end. VCF-style (leftmost placement, unchanged base first): chrX-71141247-ACAG-A. GRCh37 (hg19) VCF-style: chrX-70361097-ACAG-A.
Other names: short protein forms Q2115del.
Identifiers: ClinVar variation 573087 (VCV000573087.14), dbSNP rs766775649, ClinGen allele CA10444915.
Genomic context (GRCh38, chrX:71,141,247, plus strand): 5'-TCCTCCCTCTGCTCCTTCTGAAGTATCTTTTGTGTTCTTATAGCAGCAGCAGCAACAGCA[ACAG>A]CAGCAGCAGCAGCAGCAGCAACAGCAACAGCAGCAGCAGCAACAGCAACAACAGCAACAC-3'

ClinVar aggregate classification (germline): Conflicting classifications of pathogenicity. Review status: criteria provided, conflicting classifications (1 of 4 stars). 4 submissions from 4 submitters: Uncertain significance (2); Likely benign (1). 1 of the submissions does not count toward it. Last evaluated 2024-11-27.

Conditions:
FG syndrome (FGS). Identifiers: MedGen C0220769, MONDO:0002010.
Familial thoracic aortic aneurysm and aortic dissection (TAAD). Also called: Thoracic aortic aneurysms and dissections. Identifiers: Orphanet 91387, MedGen C4707243, MONDO:0019625.
MED12-Related Disorders. Also called: MED12-related condition; MED12-related disorder. Identifiers: MedGen CN381102.

Submissions (4):

Labcorp Genetics (formerly Invitae), Labcorp
Classification: Uncertain significance for FG syndrome. Last evaluated: 2024-11-27. Review status: criteria provided, single submitter. Criteria: Invitae Variant Classification Sherloc (09022015). Collection method: clinical testing. Allele origin: germline.
Comment: This variant, c.6306_6308del, results in the deletion of 1 amino acid(s) of the MED12 protein (p.Gln2115del), but otherwise preserves the integrity of the reading frame. The frequency data for this variant in the population databases is considered unreliable, as metrics indicate poor data quality at this position in the gnomAD database. This variant has not been reported in the literature in individuals affected with MED12-related conditions. Experimental studies and prediction algorithms are not available or were not evaluated, and the functional significance of this variant is currently unknown. In summary, the available evidence is currently insufficient to determine the role of this variant in disease. Therefore, it has been classified as a Variant of Uncertain Significance.

Ambry Genetics
Classification: Likely benign for Familial thoracic aortic aneurysm and aortic dissection. Last evaluated: 2021-10-20. Review status: criteria provided, single submitter. Criteria: Ambry Variant Classification Scheme 2023. Collection method: clinical testing. Allele origin: germline.

Breakthrough Genomics
Classification: Uncertain significance. Review status: criteria provided, single submitter. Criteria: ACMG Guidelines, 2015. Collection method: not provided. Allele origin: germline. Inheritance: X-linked inheritance. Affected: yes.

PreventionGenetics, part of Exact Sciences
Classification: Likely benign for MED12-related condition. Last evaluated: 2020-04-03. Review status: no assertion criteria provided. Collection method: clinical testing. Allele origin: germline. Not counted in ClinVar's aggregate classification.
Comment: This variant is classified as likely benign based on ACMG/AMP sequence variant interpretation guidelines (Richards et al. 2015 PMID: 25741868, with internal and published modifications).